The following is an entry in ClinVar:

ClinVar aggregate classification (germline): Uncertain significance. Review status: criteria provided, multiple submitters, no conflicts (2 of 4 stars). 2 submissions from 2 submitters: Uncertain significance (2). Last evaluated 2025-01-28.

Conditions:
Inborn genetic diseases. Identifiers: MedGen C0950123, MeSH D030342.

gnomAD v4.1: 3 of 1,612,984 alleles (0.00019%); highest among the groups gnomAD compares: Non-Finnish European, 0.00025%; no homozygotes.

Submissions (2):

Ambry Genetics
Classification: Uncertain significance for Inborn genetic diseases. Last evaluated: 2025-01-28. Review status: criteria provided, single submitter. Criteria: Ambry Variant Classification Scheme 2023. Collection method: clinical testing. Allele origin: germline.

Labcorp Genetics (formerly Invitae), Labcorp
Classification: Uncertain significance. Last evaluated: 2021-12-14. Review status: criteria provided, single submitter. Criteria: Invitae Variant Classification Sherloc (09022015). Collection method: clinical testing. Allele origin: germline.
Comment: In summary, the available evidence is currently insufficient to determine the role of this variant in disease. Therefore, it has been classified as a Variant of Uncertain Significance. Algorithms developed to predict the effect of missense changes on protein structure and function (SIFT, PolyPhen-2, Align-GVGD) all suggest that this variant is likely to be disruptive. This variant has not been reported in the literature in individuals affected with DCHS1-related conditions. This variant is not present in population databases (gnomAD no frequency). This sequence change replaces glycine, which is neutral and non-polar, with aspartic acid, which is acidic and polar, at codon 1297 of the DCHS1 protein (p.Gly1297Asp).

NM_003737.4(DCHS1):c.3890G>A (p.Gly1297Asp)

Gene: DCHS1 (dachsous cadherin-related 1; minus strand). Cytogenetic location: 11p15.4.
Variant type: single nucleotide variant.
Coding change: c.3890G>A on transcript NM_003737.4 (MANE Select); coding-DNA position 3890, G replaced by A.
Protein change: p.Gly1297Asp; replaces glycine 1297 with aspartic acid.
Molecular consequence: missense variant.
Genome position (GRCh38, 1-based): chr11:6,631,093, C>T on the plus strand (G>A on the coding strand, the complement: DCHS1 is on the minus strand). VCF-style: chr11-6631093-C-T. GRCh37 (hg19) VCF-style: chr11-6652324-C-T.
Other names: c.3890G>A (NM_003737.2); short protein forms G1297D.
Identifiers: ClinVar variation 2042657 (VCV002042657.5), dbSNP rs745987946, ClinGen allele CA217299027.
Genomic context (GRCh38, chr11:6,631,093, plus strand): 5'-GGGAGGAAGGGCAGCCATACCTGCACCAGCAGCTGGAGGCTGGCACTTCGAGGAGGGCTG[C>T]CTTGGTCATGAGCACTCAGTGTCAGCACATAGTGGGGCCGCTCTGCTCGGATCAGGGGAG-3'
Protein context (NP_003728.1, residues 1287-1307): YVLTLSAHDQ[Gly1297Asp]SPPRSASLQL